The following is an entry in ClinVar:

ClinVar aggregate classification (germline): Uncertain significance (1 of 4 stars; one submission).

Conditions:
Cardiovascular phenotype. Identifiers: MedGen CN230736.
Hereditary cancer-predisposing syndrome. Also called: Tumor predisposition; Neoplastic Syndromes, Hereditary; Hereditary Cancer Syndrome; Hereditary neoplastic syndrome. Identifiers: Orphanet 140162, MedGen C0027672, MeSH D009386, MONDO:0015356.

Submission:

Ambry Genetics
Classification: Uncertain significance for Cardiovascular phenotype; Hereditary cancer-predisposing syndrome. Last evaluated: 2025-01-23. Review status: criteria provided, single submitter. Criteria: Ambry Variant Classification Scheme 2023. Collection method: clinical testing. Allele origin: germline.
Comment: The p.F2120L variant (also known as c.6360T>A), located in coding exon 41 of the NF1 gene, results from a T to A substitution at nucleotide position 6360. The phenylalanine at codon 2120 is replaced by leucine, an amino acid with highly similar properties. This amino acid position is conserved. In addition, the in silico prediction for this alteration is inconclusive. Based on the available evidence, the clinical significance of this variant remains unclear.

NM_001042492.3(NF1):c.6423T>A (p.Phe2141Leu)

Gene: NF1 (neurofibromin 1; plus strand). Cytogenetic location: 17q11.2.
Variant type: single nucleotide variant.
Coding change: c.6423T>A on transcript NM_001042492.3 (MANE Select); coding-DNA position 6423, T replaced by A.
Protein change: p.Phe2141Leu; replaces phenylalanine 2141 with leucine.
Molecular consequence: missense variant.
Genome position (GRCh38, 1-based): chr17:31,336,910, T>A. VCF-style: chr17-31336910-T-A. GRCh37 (hg19) VCF-style: chr17-29663928-T-A.
Other names: c.6360T>A, p.Phe2120Leu (NM_000267.4); short protein forms F2141L, F2120L.
Identifiers: ClinVar variation 3879079 (VCV003879079.1).